The following is an entry in ClinVar:

ClinVar aggregate classification (germline): Uncertain significance (1 of 4 stars; one submission).

Conditions:
Cataract 18 (CATC2). Also called: CATARACT 18, AUTOSOMAL RECESSIVE. Identifiers: Orphanet 91492, Orphanet 98991, Orphanet 98992, Orphanet 98995, MedGen C1864908, MONDO:0012395, OMIM 610019.

Allele frequency attached by ClinVar (database versions not stated): gnomAD 0.00001; TOPMed 0.00001; ExAC 0.00002; gnomAD exomes 0.00002.
gnomAD v4.1: 33 of 1,613,728 alleles (0.002%); highest among the groups gnomAD compares: Non-Finnish European, 0.0027%; no homozygotes.

Submission:

Labcorp Genetics (formerly Invitae), Labcorp
Classification: Uncertain significance for Cataract 18. Last evaluated: 2020-10-05. Review status: criteria provided, single submitter. Criteria: Invitae Variant Classification Sherloc (09022015). Collection method: clinical testing. Allele origin: germline.
Comment: This variant is present in population databases (rs776739152, ExAC 0.003%). In summary, the available evidence is currently insufficient to determine the role of this variant in disease. Therefore, it has been classified as a Variant of Uncertain Significance. Algorithms developed to predict the effect of missense changes on protein structure and function are either unavailable or do not agree on the potential impact of this missense change (SIFT: "Tolerated"; PolyPhen-2: "Probably Damaging"; Align-GVGD: "Class C0"). This variant has not been reported in the literature in individuals with FYCO1-related conditions. This sequence change replaces glutamic acid with lysine at codon 1407 of the FYCO1 protein (p.Glu1407Lys). The glutamic acid residue is highly conserved and there is a small physicochemical difference between glutamic acid and lysine.

NM_024513.4(FYCO1):c.4219G>A (p.Glu1407Lys)

Gene: FYCO1 (FYVE and coiled-coil domain autophagy adaptor 1; minus strand). Cytogenetic location: 3p21.31.
Variant type: single nucleotide variant.
Coding change: c.4219G>A on transcript NM_024513.4 (MANE Select); coding-DNA position 4219, G replaced by A.
Protein change: p.Glu1407Lys; replaces glutamic acid 1407 with lysine.
Molecular consequence: missense variant. On other transcripts: non-coding transcript variant (1).
Genome position (GRCh38, 1-based): chr3:45,931,103, C>T on the plus strand (G>A on the coding strand, the complement: FYCO1 is on the minus strand). VCF-style: chr3-45931103-C-T. GRCh37 (hg19) VCF-style: chr3-45972595-C-T.
Other names: c.4219G>A, p.Glu1407Lys (NM_001386421.1, NM_001386422.1, NM_001386424.1 and 3 more transcripts); c.4216G>A, p.Glu1406Lys (NM_001386423.1); c.4099G>A, p.Glu1367Lys (NM_001386426.1); c.4075G>A, p.Glu1359Lys (NM_001386427.1); c.3619G>A, p.Glu1207Lys (NM_001386430.1); short protein forms E1207K, E1407K, E1367K, E1406K, E1359K.
Identifiers: ClinVar variation 1045350 (VCV001045350.5), dbSNP rs776739152, ClinGen allele CA2352365.